The following is an entry in ClinVar:

NM_004006.3(DMD):c.9287-27_9287-2del

Gene: DMD (dystrophin; minus strand). Cytogenetic location: Xp21.2.
Variant type: Deletion.
Coding change: c.9287-27_9287-2del on transcript NM_004006.3 (MANE Select); 27 bases into the intron before coding-DNA position 9287 through the canonical splice acceptor site of the intron before coding-DNA position 9287, 26 bases deleted (AATGCTCTTTGTTTTCCCTCTTTTCA).
Molecular consequence: splice acceptor variant.
Genome position (GRCh38, 1-based): chrX:31,223,123-31,223,148, TGAAAAGAGGGAAAACAAAGAGCATT deleted on the plus strand (AATGCTCTTTGTTTTCCCTCTTTTCA on the coding strand, the reverse complement: DMD is on the minus strand); deleting any 26 consecutive bases within chrX:31,223,123-31,223,150 gives the same sequence; the c. name uses the placement nearest the transcript's 3' end. VCF-style (leftmost placement, unchanged base first): chrX-31223122-CTGAAAAGAGGGAAAACAAAGAGCATT-C. GRCh37 (hg19) VCF-style: chrX-31241239-CTGAAAAGAGGGAAAACAAAGAGCATT-C.
Other names: c.9263-27_9263-2del (NM_000109.4); c.5264-27_5264-2del (NM_004011.4); c.5255-27_5255-2del (NM_004012.4); c.1907-27_1907-2del (NM_004023.3, NM_004020.4, NM_004022.3 and 2 more transcripts); c.1100-27_1100-2del (NM_004014.3); c.83-27_83-2del (NM_004018.3, NM_004017.3, NM_004016.3 and 2 more transcripts); c.9275-27_9275-2del (NM_004009.3); c.8918-27_8918-2del (NM_004010.3).
Identifiers: ClinVar variation 409934 (VCV000409934.11), dbSNP rs1064792968, ClinGen allele CA16616481.

ClinVar aggregate classification (germline): Likely pathogenic (1 of 4 stars; one submission).

Conditions:
Duchenne muscular dystrophy (DMD). Also called: MUSCULAR DYSTROPHY, PSEUDOHYPERTROPHIC PROGRESSIVE, DUCHENNE TYPE; Duchenne Muscular Dystrophy (DMD). Identifiers: Orphanet 98896, MedGen C0013264, MONDO:0010679, OMIM 310200.

Submission:

Labcorp Genetics (formerly Invitae), Labcorp
Classification: Likely pathogenic for Duchenne muscular dystrophy. Last evaluated: 2020-01-07. Review status: criteria provided, single submitter. Criteria: Invitae Variant Classification Sherloc (09022015). Collection method: clinical testing. Allele origin: germline.
Comment: In summary, the currently available evidence indicates that the variant is pathogenic, but additional data are needed to prove that conclusively. Therefore, this variant has been classified as Likely Pathogenic. Nucleotide substitutions within the consensus splice site are a relatively common cause of aberrant splicing (PMID: 17576681, 9536098). Algorithms developed to predict the effect of sequence changes on RNA splicing suggest that this variant may disrupt the consensus splice site, but this prediction has not been confirmed by published transcriptional studies. This variant has been observed in individual(s) with clinical features of Duchenne muscular dystrophy (Invitae). ClinVar contains an entry for this variant (Variation ID: 409934). This variant is not present in population databases (ExAC no frequency). This sequence change falls in intron 63 of the DMD gene. It does not directly change the encoded amino acid sequence of the DMD protein, but it affects a nucleotide within the consensus splice site of the intron.

Literature cited by the submitters: PubMed 17576681; PubMed 9536098.